The following is an entry in ClinVar:

ClinVar aggregate classification (germline): Likely benign (1 of 4 stars; one submission).

gnomAD v4.1: 1 of 1,614,068 alleles (0.000062%); highest among the groups gnomAD compares: Non-Finnish European, 0.000085%; no homozygotes.

Submission:

CeGaT Center for Human Genetics Tuebingen
Classification: Likely benign. Last evaluated: 2025-04-01. Review status: criteria provided, single submitter. Criteria: CeGaT Center For Human Genetics Tuebingen Variant Classification Criteria Version 2. Collection method: clinical testing. Allele origin: germline. Affected: yes. Observed: 1 variant allele.
Comment: ALG8: BP4, BP7

NM_024079.5(ALG8):c.585C>G (p.Leu195=)

Gene: ALG8 (ALG8 alpha-1,3-glucosyltransferase; minus strand). Cytogenetic location: 11q14.1.
Variant type: single nucleotide variant.
Coding change: c.585C>G on transcript NM_024079.5 (MANE Select); coding-DNA position 585, C replaced by G.
Protein change: p.Leu195=; no amino-acid change (leucine 195 retained).
Molecular consequence: synonymous variant. On other transcripts: non-coding transcript variant (2), intron variant (1).
Genome position (GRCh38, 1-based): chr11:78,114,354, G>C on the plus strand (C>G on the coding strand, the complement: ALG8 is on the minus strand). VCF-style: chr11-78114354-G-C. GRCh37 (hg19) VCF-style: chr11-77825400-G-C.
Other names: c.585C>G, p.Leu195= (NM_001007027.3, NM_001425221.1, NM_001425222.1 and 11 more transcripts); c.588C>G, p.Leu196= (NM_001425219.1); c.570C>G, p.Leu190= (NM_001425220.1); c.678C>G, p.Leu226= (NM_001425224.1); c.432C>G, p.Leu144= (NM_001425226.1, NM_001425235.1, NM_001425236.1); c.384C>G, p.Leu128= (NM_001425231.1); c.321C>G, p.Leu107= (NM_001425234.1, NM_001425239.1); c.69C>G, p.Leu23= (NM_001425241.1); and 2 more.
Identifiers: ClinVar variation 3898635 (VCV003898635.7).